The following is an entry in ClinVar:

NM_001953.5(TYMP):c.256del (p.Glu86fs)

Genes: TYMP (thymidine phosphorylase; minus strand), LOC130067864 (ATAC-STARR-seq lymphoblastoid active region 19325; plus strand). Cytogenetic location: 22q13.33.
Variant type: Deletion.
Coding change: c.256del on transcript NM_001953.5 (MANE Select); coding-DNA position 256, one base deleted (G; older notation c.256delG).
Protein change: p.Glu86fs; shifts the reading frame from glutamic acid 86.
Molecular consequence: frameshift variant.
Genome position (GRCh38, 1-based): chr22:50,529,297, C deleted on the plus strand (G on the coding strand, the reverse complement: TYMP is on the minus strand); the first of 2 consecutive C bases (chr22:50,529,297-50,529,298); deleting either gives the same sequence. VCF-style (leftmost placement, unchanged base first): chr22-50529296-TC-T. GRCh37 (hg19) VCF-style: chr22-50967725-TC-T.
Other names: c.256del, p.Glu86fs (NM_001113755.3, NM_001113756.3, NM_001257988.1 and 1 more transcripts); short protein forms E86fs.
Identifiers: ClinVar variation 5014348 (VCV005014348.1).

ClinVar aggregate classification (germline): Pathogenic (1 of 4 stars; one submission).

Conditions:
Mitochondrial DNA depletion syndrome 1. Also called: Mitochondrial neurogastrointestinal encephalomyopathy syndrome; Mitochondrial DNA depletion syndrome 1 (MNGIE type); Mitochondrial DNA Depletion Syndrome, MNGIE Form; POLIP SYNDROME; POLYNEUROPATHY, OPHTHALMOPLEGIA, LEUKOENCEPHALOPATHY, AND INTESTINAL PSEUDOOBSTRUCTION; Mitochondrial Neurogastrointestinal Encephalopathy Disease. Identifiers: Orphanet 298, MedGen C4551995, MONDO:0011283, OMIM 603041.

Submission:

Myriad Genetics, Inc.
Classification: Pathogenic for Mitochondrial DNA depletion syndrome 1. Last evaluated: 2026-03-19. Review status: criteria provided, single submitter. Criteria: Myriad Autosomal Dominant, Autosomal Recessive and X-Linked Classification Criteria (2023). Collection method: clinical testing. Allele origin: unknown.
Comment: NM_001953.4(TYMP):c.256delG(E86Rfs*6) is expected to be pathogenic in the context of mitochondrial neurogastrointestinal encephalopathy disease. This variant is predicted to lead to an abnormal or absent protein product due to the creation of a premature termination codon in TYMP, a gene where loss-of-function variants are known to be pathogenic. Please note: this variant was assessed in the context of healthy population screening.